The following is an entry in ClinVar:

NM_019023.5(PRMT7):c.961C>T (p.Leu321=)

Gene: PRMT7 (protein arginine methyltransferase 7; plus strand). Cytogenetic location: 16q22.1.
Variant type: single nucleotide variant.
Coding change: c.961C>T on transcript NM_019023.5 (MANE Select); coding-DNA position 961, C replaced by T.
Protein change: p.Leu321=; no amino-acid change (leucine 321 retained).
Molecular consequence: synonymous variant. On other transcripts: non-coding transcript variant (12).
Genome position (GRCh38, 1-based): chr16:68,345,708, C>T. VCF-style: chr16-68345708-C-T. GRCh37 (hg19) VCF-style: chr16-68379611-C-T.
Other names: c.811C>T, p.Leu271= (NM_001184824.4); c.961C>T, p.Leu321= (NM_001290018.2, NM_001351143.3, NM_001351144.3 and 1 more transcripts); c.754C>T, p.Leu252= (NM_001378020.1); c.724C>T, p.Leu242= (NM_001378021.1, NM_001378022.1, NM_001378023.1).
Identifiers: ClinVar variation 749178 (VCV000749178.31), dbSNP rs376668935, ClinGen allele CA8127269.

ClinVar aggregate classification (germline): Likely benign. Review status: criteria provided, multiple submitters, no conflicts (2 of 4 stars). 2 submissions from 2 submitters: Likely benign (2). Last evaluated 2025-06-22.

Allele frequency attached by ClinVar (database versions not stated): gnomAD exomes 0.00003; TOPMed 0.00003; ExAC 0.00004; gnomAD 0.00005; ESP Exome Variant Server 0.00008.

Submissions (2):

Labcorp Genetics (formerly Invitae), Labcorp
Classification: Likely benign. Last evaluated: 2025-06-22. Review status: criteria provided, single submitter. Criteria: Invitae Variant Classification Sherloc (09022015). Collection method: clinical testing. Allele origin: germline.

CeGaT Center for Human Genetics Tuebingen
Classification: Likely benign. Last evaluated: 2022-10-01. Review status: criteria provided, single submitter. Criteria: CeGaT Center For Human Genetics Tuebingen Variant Classification Criteria Version 2. Collection method: clinical testing. Allele origin: germline. Affected: yes. Observed: 1 variant allele.
Comment: PRMT7: BP4, BP7